The following is an entry in ClinVar:

ClinVar aggregate classification (germline): Uncertain significance. Review status: criteria provided, multiple submitters, no conflicts (2 of 4 stars). 3 submissions from 3 submitters: Uncertain significance (3). Last evaluated 2024-09-23.

Conditions:
Hereditary cancer-predisposing syndrome. Also called: Tumor predisposition; Hereditary neoplastic syndrome; Neoplastic Syndromes, Hereditary; Hereditary Cancer Syndrome. Identifiers: Orphanet 140162, MedGen C0027672, MeSH D009386, MONDO:0015356.
Breast neoplasm. Also called: Neoplasm of breast; Breast tumor; Neoplasm of the breast; Breast Neoplasms. Identifiers: MedGen C1458155, MeSH D001943, MONDO:0021100, HP:0100013. Disease mechanism: gain of function.

Submissions (3):

Color Diagnostics, LLC DBA Color Health
Classification: Uncertain significance for Hereditary cancer-predisposing syndrome. Last evaluated: 2024-09-23. Review status: criteria provided, single submitter. Criteria: ACMG Guidelines, 2015. Collection method: clinical testing. Allele origin: germline.
Comment: This missense variant replaces arginine with threonine at codon 3005 of the BRCA2 protein. Computational prediction suggests that this variant may not impact protein structure and function. To our knowledge, functional studies have not been reported for this variant. This variant has not been reported as a germline mutation in individuals affected with BRCA2-related disorders in the literature. This variant has not been identified in the general population by the Genome Aggregation Database (gnomAD). The available evidence is insufficient to determine the role of this variant in disease conclusively. Therefore, this variant is classified as a Variant of Uncertain Significance.

Ambry Genetics
Classification: Uncertain significance for Hereditary cancer-predisposing syndrome. Last evaluated: 2023-03-10. Review status: criteria provided, single submitter. Criteria: Ambry Variant Classification Scheme 2023. Collection method: clinical testing. Allele origin: germline.
Comment: The p.R3005T variant (also known as c.9014G>C), located in coding exon 22 of the BRCA2 gene, results from a G to C substitution at nucleotide position 9014. The arginine at codon 3005 is replaced by threonine, an amino acid with similar properties. This amino acid position is highly conserved in available vertebrate species. In addition, this alteration is predicted to be deleterious by in silico analysis. Since supporting evidence is limited at this time, the clinical significance of this alteration remains unclear.

Laboratory of Molecular Diagnosis of Cancer, West China Hospital, Sichuan University
Classification: Uncertain significance for Breast neoplasm. Last evaluated: 2015-11-01. Review status: criteria provided, single submitter. Criteria: ACMG Guidelines, 2015. Collection method: research. Allele origin: somatic. Affected: yes. Observed: 1 variant allele.

Literature cited by the submitters: PubMed 27257965 (cited by Laboratory of Molecular Diagnosis of Cancer, West China Hospital, Sichuan University).

NM_000059.4(BRCA2):c.9014G>C (p.Arg3005Thr)

Gene: BRCA2 (BRCA2 DNA repair associated; plus strand). Cytogenetic location: 13q13.1.
Variant type: single nucleotide variant.
Coding change: c.9014G>C on transcript NM_000059.4 (MANE Select); coding-DNA position 9014, G replaced by C.
Protein change: p.Arg3005Thr; replaces arginine 3005 with threonine.
Molecular consequence: missense variant.
Genome position (GRCh38, 1-based): chr13:32,379,810, G>C. VCF-style: chr13-32379810-G-C. GRCh37 (hg19) VCF-style: chr13-32953947-G-C.
Other names: short protein forms R3005T.
Identifiers: ClinVar variation 224477 (VCV000224477.4), dbSNP rs886037821, ClinGen allele CA10575933.
Genomic context (GRCh38, chr13:32,379,810, plus strand): 5'-TTATACTGAGTATTTGGCGTCCATCATCAGATTTATATTCTCTGTTAACAGAAGGAAAGA[G>C]ATACAGAATTTATCATCTTGCAACTTCAAAATCTAAAAGTAAATCTGAAAGAGCTAACAT-3'
Protein context (NP_000050.3, residues 2995-3015): DLYSLLTEGK[Arg3005Thr]YRIYHLATSK